The following is an entry in ClinVar:

ClinVar aggregate classification (germline): Uncertain significance. Review status: criteria provided, multiple submitters, no conflicts (2 of 4 stars). 2 submissions from 2 submitters: Uncertain significance (2). Last evaluated 2025-07-23.

Conditions:
PPP3CA-related disorder. Also called: PPP3CA-related disorders; PPP3CA-related condition.

gnomAD v4.1: 2 of 1,613,982 alleles (0.00012%); highest among the groups gnomAD compares: Admixed American, 0.0033%; no homozygotes.

Submissions (2):

Labcorp Genetics (formerly Invitae), Labcorp
Classification: Uncertain significance. Last evaluated: 2025-07-23. Review status: criteria provided, single submitter. Criteria: Invitae Variant Classification Sherloc (09022015). Collection method: clinical testing. Allele origin: germline.
Comment: This sequence change replaces aspartic acid, which is acidic and polar, with asparagine, which is neutral and polar, at codon 36 of the PPP3CA protein (p.Asp36Asn). This variant is present in population databases (no rsID available, gnomAD 0.006%). This variant has not been reported in the literature in individuals affected with PPP3CA-related conditions. ClinVar contains an entry for this variant (Variation ID: 2186508). Invitae Evidence Modeling of protein sequence and biophysical properties (such as structural, functional, and spatial information, amino acid conservation, physicochemical variation, residue mobility, and thermodynamic stability) indicates that this missense variant is not expected to disrupt PPP3CA protein function with a negative predictive value of 80%. In summary, the available evidence is currently insufficient to determine the role of this variant in disease. Therefore, it has been classified as a Variant of Uncertain Significance.

PreventionGenetics, part of Exact Sciences
Classification: Uncertain significance for PPP3CA-related condition. Last evaluated: 2023-09-07. Review status: criteria provided, single submitter. Criteria: ACMG Guidelines, 2015. Collection method: clinical testing. Allele origin: germline.
Comment: The PPP3CA c.106G>A variant is predicted to result in the amino acid substitution p.Asp36Asn. To our knowledge, this variant has not been reported in the literature. This variant is reported in 0.0058% of alleles in individuals of Latino descent in gnomAD. At this time, the clinical significance of this variant is uncertain due to the absence of conclusive functional and genetic evidence.

NM_000944.5(PPP3CA):c.106G>A (p.Asp36Asn)

Gene: PPP3CA (protein phosphatase 3 catalytic subunit alpha; minus strand). Cytogenetic location: 4q24.
Variant type: single nucleotide variant.
Coding change: c.106G>A on transcript NM_000944.5 (MANE Select); coding-DNA position 106, G replaced by A.
Protein change: p.Asp36Asn; replaces aspartic acid 36 with asparagine.
Molecular consequence: missense variant.
Genome position (GRCh38, 1-based): chr4:101,196,069, C>T on the plus strand (G>A on the coding strand, the complement: PPP3CA is on the minus strand). VCF-style: chr4-101196069-C-T. GRCh37 (hg19) VCF-style: chr4-102117226-C-T.
Other names: c.106G>A (NM_000944.4); c.106G>A, p.Asp36Asn (NM_001130691.2, NM_001130692.2); short protein forms D36N.
Identifiers: ClinVar variation 2186508 (VCV002186508.5), dbSNP rs1351508365, ClinGen allele CA357951051.
Genomic context (GRCh38, chr4:101,196,069, plus strand): 5'-GCCTTCCCTCCTTCATAAGATGCGCCTTTAAGATATCCACACGAGGTTTTCCATCATTAT[C>T]AAACACTTCTTTTGCTGTAAGCCGGTGACTTGGAGGAAATGGAACAGCTGAAAGAAGAAA-3'
Protein context (NP_000935.1, residues 26-46): SHRLTAKEVF[Asp36Asn]NDGKPRVDIL